The following is an entry in ClinVar:

NM_006767.4(LZTR1):c.1438A>T (p.Arg480Trp)

Gene: LZTR1 (leucine zipper like post translational regulator 1; plus strand). Cytogenetic location: 22q11.21.
Variant type: single nucleotide variant.
Coding change: c.1438A>T on transcript NM_006767.4 (MANE Select); coding-DNA position 1438, A replaced by T.
Protein change: p.Arg480Trp; replaces arginine 480 with tryptophan.
Molecular consequence: missense variant.
Genome position (GRCh38, 1-based): chr22:20,994,008, A>T. VCF-style: chr22-20994008-A-T. GRCh37 (hg19) VCF-style: chr22-21348297-A-T.
Other names: c.1438A>T (NM_006767.3); short protein forms R480W.
Identifiers: ClinVar variation 2755178 (VCV002755178.4), dbSNP rs2518620585, ClinGen allele CA410775335.

ClinVar aggregate classification (germline): Uncertain significance. Review status: criteria provided, multiple submitters, no conflicts (2 of 4 stars). 2 submissions from 2 submitters: Uncertain significance (2). Last evaluated 2023-09-08.

Conditions:
Hereditary cancer-predisposing syndrome. Also called: Neoplastic Syndromes, Hereditary; Hereditary Cancer Syndrome; Tumor predisposition; Hereditary neoplastic syndrome. Identifiers: Orphanet 140162, MedGen C0027672, MeSH D009386, MONDO:0015356.
Cardiovascular phenotype. Identifiers: MedGen CN230736.

Allele frequency attached by ClinVar (database versions not stated): gnomAD exomes below 0.00001.
gnomAD v4.1: 1 of 1,607,854 alleles (0.000062%); highest among the groups gnomAD compares: Non-Finnish European, 0.000085%; no homozygotes.

Submissions (2):

Labcorp Genetics (formerly Invitae), Labcorp
Classification: Uncertain significance. Last evaluated: 2023-09-08. Review status: criteria provided, single submitter. Criteria: Invitae Variant Classification Sherloc (09022015). Collection method: clinical testing. Allele origin: germline.
Comment: This sequence change replaces arginine, which is basic and polar, with tryptophan, which is neutral and slightly polar, at codon 480 of the LZTR1 protein (p.Arg480Trp). In summary, the available evidence is currently insufficient to determine the role of this variant in disease. Therefore, it has been classified as a Variant of Uncertain Significance. Advanced modeling of protein sequence and biophysical properties (such as structural, functional, and spatial information, amino acid conservation, physicochemical variation, residue mobility, and thermodynamic stability) performed at Invitae indicates that this missense variant is not expected to disrupt LZTR1 protein function. This variant has not been reported in the literature in individuals affected with LZTR1-related conditions. This variant is not present in population databases (gnomAD no frequency).

Ambry Genetics
Classification: Uncertain significance for Cardiovascular phenotype; Hereditary cancer-predisposing syndrome. Last evaluated: 2023-07-27. Review status: criteria provided, single submitter. Criteria: Ambry Variant Classification Scheme 2023. Collection method: clinical testing. Allele origin: germline.
Comment: The p.R480W variant (also known as c.1438A>T), located in coding exon 13 of the LZTR1 gene, results from an A to T substitution at nucleotide position 1438. The arginine at codon 480 is replaced by tryptophan, an amino acid with dissimilar properties. This amino acid position is conserved. In addition, this alteration is predicted to be tolerated by in silico analysis. Since supporting evidence is limited at this time, the clinical significance of this alteration remains unclear.